The following is an entry in ClinVar:

NM_024844.5(NUP85):c.1402A>G (p.Ser468Gly)

Gene: NUP85 (nucleoporin 85; plus strand). Cytogenetic location: 17q25.1.
Variant type: single nucleotide variant.
Coding change: c.1402A>G on transcript NM_024844.5 (MANE Select); coding-DNA position 1402, A replaced by G.
Protein change: p.Ser468Gly; replaces serine 468 with glycine.
Molecular consequence: missense variant.
Genome position (GRCh38, 1-based): chr17:75,232,856, A>G. VCF-style: chr17-75232856-A-G. GRCh37 (hg19) VCF-style: chr17-73228951-A-G.
Other names: c.1264A>G, p.Ser422Gly (NM_001303276.2); c.1267A>G, p.Ser423Gly (NM_001330472.2); c.1402A>G (NM_024844.3); short protein forms S422G, S423G, S468G.
Identifiers: ClinVar variation 2378810 (VCV002378810.7), dbSNP rs545737851, ClinGen allele CA8758849.

ClinVar aggregate classification (germline): Uncertain significance. Review status: criteria provided, multiple submitters, no conflicts (2 of 4 stars). 2 submissions from 2 submitters: Uncertain significance (2). Last evaluated 2025-02-07.

Allele frequency attached by ClinVar (database versions not stated): gnomAD 0.00001; TOPMed 0.00002; gnomAD exomes 0.00006; ExAC 0.00011.
gnomAD v4.1: 37 of 1,614,108 alleles (0.0023%); highest among the groups gnomAD compares: Admixed American, 0.058%; no homozygotes.

Submissions (2):

Ambry Genetics
Classification: Uncertain significance. Last evaluated: 2025-02-07. Review status: criteria provided, single submitter. Criteria: Ambry Variant Classification Scheme 2023. Collection method: clinical testing. Allele origin: germline.

Labcorp Genetics (formerly Invitae), Labcorp
Classification: Uncertain significance. Last evaluated: 2022-02-26. Review status: criteria provided, single submitter. Criteria: Invitae Variant Classification Sherloc (09022015). Collection method: clinical testing. Allele origin: germline.
Comment: In summary, the available evidence is currently insufficient to determine the role of this variant in disease. Therefore, it has been classified as a Variant of Uncertain Significance. Algorithms developed to predict the effect of sequence changes on RNA splicing suggest that this variant may disrupt the consensus splice site. Algorithms developed to predict the effect of missense changes on protein structure and function are either unavailable or do not agree on the potential impact of this missense change (SIFT: "Tolerated"; PolyPhen-2: "Possibly Damaging"; Align-GVGD: "Class C0"). This variant has not been reported in the literature in individuals affected with NUP85-related conditions. This variant is present in population databases (rs545737851, gnomAD 0.09%). This sequence change replaces serine, which is neutral and polar, with glycine, which is neutral and non-polar, at codon 468 of the NUP85 protein (p.Ser468Gly).